The following is an entry in ClinVar:

NM_005984.5(SLC25A1):c.631+1G>T

Gene: SLC25A1 (solute carrier family 25 member 1; minus strand). Cytogenetic location: 22q11.21.
Variant type: single nucleotide variant.
Coding change: c.631+1G>T on transcript NM_005984.5 (MANE Select); the canonical splice donor site of the intron after coding-DNA position 631, G replaced by T.
Molecular consequence: splice donor variant.
Genome position (GRCh38, 1-based): chr22:19,176,845, C>A on the plus strand (G>T on the coding strand, the complement: SLC25A1 is on the minus strand). VCF-style: chr22-19176845-C-A. GRCh37 (hg19) VCF-style: chr22-19164358-C-A.
Other names: c.322+1G>T (NM_001287387.2); c.652+1G>T (NM_001256534.2).
Identifiers: ClinVar variation 3644974 (VCV003644974.2).
Genomic context (GRCh38, chr22:19,176,845, plus strand): 5'-CCCCAAGGAGAGGAGAGGAGCTGGCCATGTGCAGAGATGGGGCCCTGTGATGCAGACACA[C>A]CTCGGTACCAGTTGCGCAGGGAGGTCATGACGAAGAAGCGGATGGCCTGGTTCGAGCCCT-3'

ClinVar aggregate classification (germline): Likely pathogenic (1 of 4 stars; one submission).

Submission:

Labcorp Genetics (formerly Invitae), Labcorp
Classification: Likely pathogenic. Last evaluated: 2025-03-18. Review status: criteria provided, single submitter. Criteria: Invitae Variant Classification Sherloc (09022015). Collection method: clinical testing. Allele origin: germline.
Comment: This sequence change affects a donor splice site in intron 6 of the SLC25A1 gene. It is expected to disrupt RNA splicing. Variants that disrupt the donor or acceptor splice site typically lead to a loss of protein function (PMID: 16199547), and loss-of-function variants in SLC25A1 are known to be pathogenic (PMID: 23561848). This variant is not present in population databases (gnomAD no frequency). This variant has not been reported in the literature in individuals affected with SLC25A1-related conditions. Algorithms developed to predict the effect of sequence changes on RNA splicing suggest that this variant may disrupt the consensus splice site. In summary, the currently available evidence indicates that the variant is pathogenic, but additional data are needed to prove that conclusively. Therefore, this variant has been classified as Likely Pathogenic.

Literature cited by the submitters: PubMed 16199547; PubMed 23561848.